The following is an entry in ClinVar:

NM_080680.3(COL11A2):c.5027C>A (p.Pro1676Gln)

Gene: COL11A2 (collagen type XI alpha 2 chain; minus strand). Cytogenetic location: 6p21.32.
Variant type: single nucleotide variant.
Coding change: c.5027C>A on transcript NM_080680.3 (MANE Select); coding-DNA position 5027, C replaced by A.
Protein change: p.Pro1676Gln; replaces proline 1676 with glutamine.
Molecular consequence: missense variant.
Genome position (GRCh38, 1-based): chr6:33,164,310, G>T on the plus strand (C>A on the coding strand, the complement: COL11A2 is on the minus strand). VCF-style: chr6-33164310-G-T. GRCh37 (hg19) VCF-style: chr6-33132087-G-T.
Other names: c.4706C>A, p.Pro1569Gln (NM_080679.3); c.4769C>A, p.Pro1590Gln (NM_080681.3); short protein forms P1569Q, P1590Q, P1676Q.
Identifiers: ClinVar variation 1310528 (VCV001310528.6), dbSNP rs769990941, ClinGen allele CA363615954.

ClinVar aggregate classification (germline): Uncertain significance. Review status: criteria provided, multiple submitters, no conflicts (2 of 4 stars). 2 submissions from 2 submitters: Uncertain significance (2). Last evaluated 2022-01-02.

Submissions (2):

Labcorp Genetics (formerly Invitae), Labcorp
Classification: Uncertain significance. Last evaluated: 2022-01-02. Review status: criteria provided, single submitter. Criteria: Invitae Variant Classification Sherloc (09022015). Collection method: clinical testing. Allele origin: germline.
Comment: This sequence change replaces proline, which is neutral and non-polar, with glutamine, which is neutral and polar, at codon 1676 of the COL11A2 protein (p.Pro1676Gln). In summary, the available evidence is currently insufficient to determine the role of this variant in disease. Therefore, it has been classified as a Variant of Uncertain Significance. Advanced modeling of protein sequence and biophysical properties (such as structural, functional, and spatial information, amino acid conservation, physicochemical variation, residue mobility, and thermodynamic stability) performed at Invitae indicates that this missense variant is not expected to disrupt COL11A2 protein function. ClinVar contains an entry for this variant (Variation ID: 1310528). This variant has not been reported in the literature in individuals affected with COL11A2-related conditions. This variant is not present in population databases (gnomAD no frequency).

GeneDx
Classification: Uncertain significance. Last evaluated: 2019-11-26. Review status: criteria provided, single submitter. Criteria: GeneDx Variant Classification Process June 2021. Collection method: clinical testing. Allele origin: germline. Affected: yes.
Comment: Not observed in large population cohorts (Lek et al., 2016); In silico analysis, which includes protein predictors and evolutionary conservation, supports that this variant does not alter protein structure/function; Has not been previously published as pathogenic or benign to our knowledge